The following is an entry in ClinVar:

ClinVar aggregate classification (germline): Pathogenic. Review status: criteria provided, multiple submitters, no conflicts (2 of 4 stars). 3 submissions from 3 submitters: Pathogenic (2). 1 of the submissions does not count toward it. Last evaluated 2024-01-12.

Conditions:
HYPERHOMOCYSTEINEMIA, THROMBOTIC, CBS-RELATED. Identifiers: MedGen C3150344, OMIM 236200.
Homocystinuria. Identifiers: MedGen C0019880, MONDO:0004737, HP:0002156.
Classic homocystinuria. Also called: Homocystinuria due to CBS deficiency; Cystathionine beta-synthase deficiency; CBS deficiency; HOMOCYSTINURIA WITH OR WITHOUT RESPONSE TO PYRIDOXINE; Homocystinuria due to Cystathionine Beta-Synthase Deficiency. Identifiers: Orphanet 394, MedGen C0751202, MONDO:0009352, OMIM 236200.

Allele frequency attached by ClinVar (database versions not stated): gnomAD exomes below 0.00001 and 0.00001; ExAC 0.00001; gnomAD 0.00001; 1000 Genomes Project 30x 0.00016.

Submissions (3):

Women's Health and Genetics/Laboratory Corporation of America, LabCorp
Classification: Pathogenic for Homocystinuria. Last evaluated: 2024-01-12. Review status: criteria provided, single submitter. Criteria: LabCorp Variant Classification Summary - May 2015. Collection method: clinical testing. Allele origin: germline.
Comment: Variant summary: CBS c.371_374dupTGCG (p.Met126AlafsX4) results in a premature termination codon, predicted to cause a truncation of the encoded protein or absence of the protein due to nonsense mediated decay, which are commonly known mechanisms for disease. The variant allele was found at a frequency of 4e-06 in 251102 control chromosomes. To our knowledge, no occurrence of c.371_374dupTGCG in individuals affected with Homocystinuria and no experimental evidence demonstrating its impact on protein function have been reported. ClinVar contains an entry for this variant (Variation ID: 554230). Based on the evidence outlined above, the variant was classified as pathogenic.

Labcorp Genetics (formerly Invitae), Labcorp
Classification: Pathogenic for HYPERHOMOCYSTEINEMIA, THROMBOTIC, CBS-RELATED. Last evaluated: 2023-05-21. Review status: criteria provided, single submitter. Criteria: Invitae Variant Classification Sherloc (09022015). Collection method: clinical testing. Allele origin: germline.
Comment: This sequence change creates a premature translational stop signal (p.Met126Alafs*4) in the CBS gene. It is expected to result in an absent or disrupted protein product. Loss-of-function variants in CBS are known to be pathogenic (PMID: 10338090, 12124992). This variant is present in population databases (rs755625628, gnomAD 0.0009%). This variant has not been reported in the literature in individuals affected with CBS-related conditions. ClinVar contains an entry for this variant (Variation ID: 554230). For these reasons, this variant has been classified as Pathogenic.

Counsyl
Classification: Likely pathogenic for Classic homocystinuria. Last evaluated: 2017-10-03. Review status: no assertion criteria provided. Collection method: clinical testing. Allele origin: unknown. Not counted in ClinVar's aggregate classification.

Literature cited by the submitters: PubMed 10338090 (cited by Labcorp Genetics (formerly Invitae), Labcorp); PubMed 12124992 (cited by Labcorp Genetics (formerly Invitae), Labcorp).

NM_000071.3(CBS):c.371_374dup (p.Met126fs)

Gene: CBS (cystathionine beta-synthase; minus strand). Cytogenetic location: 21q22.3.
Variant type: Duplication.
Coding change: c.371_374dup on transcript NM_000071.3 (MANE Select); coding-DNA positions 371 to 374, 4 bases duplicated (TGCG; older notation c.371_374dupTGCG).
Protein change: p.Met126fs; shifts the reading frame from methionine 126.
Molecular consequence: frameshift variant.
Genome position (GRCh38, 1-based): chr21:43,066,320-43,066,323, CGCA duplicated on the plus strand (TGCG on the coding strand, the reverse complement: CBS is on the minus strand). VCF-style (leftmost placement, unchanged base first): chr21-43066319-C-CCGCA. GRCh37 (hg19) VCF-style: chr21-44486429-C-CCGCA.
Other names: c.371_374dupTGCG (NM_000071.3, NM_000071.2); c.371_374dup, p.Met126fs (NM_001178008.3, NM_001178009.3, NM_001320298.2); c.56_59dup, p.Met21fs (NM_001321072.1); short protein forms M126fs, M21fs.
Identifiers: ClinVar variation 554230 (VCV000554230.6), dbSNP rs755625628, ClinGen allele CA321097806.